The following is an entry in ClinVar:

ClinVar aggregate classification (germline): Uncertain significance (1 of 4 stars; one submission).

Conditions:
Hereditary sensory and autonomic neuropathy type 6. Also called: HSAN VI; Neuropathy, hereditary sensory and autonomic, type VI. Identifiers: Orphanet 314381, MedGen C3539003, MONDO:0013839, OMIM 614653.
Epidermolysis bullosa simplex 3, localized or generalized intermediate, with BP230 deficiency (EBS3). Also called: Epidermolysis bullosa simplex due to BP230 deficiency; Epidermolysis bullosa simplex, autosomal recessive 2. Identifiers: Orphanet 412181, MedGen C3809470, MONDO:0014180, OMIM 615425.

Allele frequency attached by ClinVar (database versions not stated): gnomAD exomes 0.00001.
gnomAD v4.1: 3 of 1,610,650 alleles (0.00019%); highest among the groups gnomAD compares: African/African-American, 0.0013%; no homozygotes.

Submission:

Labcorp Genetics (formerly Invitae), Labcorp
Classification: Uncertain significance for Epidermolysis bullosa simplex 3, localized or generalized intermediate, with BP230 deficiency; Hereditary sensory and autonomic neuropathy type 6. Last evaluated: 2022-02-27. Review status: criteria provided, single submitter. Criteria: Invitae Variant Classification Sherloc (09022015). Collection method: clinical testing. Allele origin: germline.
Comment: In summary, the available evidence is currently insufficient to determine the role of this variant in disease. Therefore, it has been classified as a Variant of Uncertain Significance. Experimental studies and prediction algorithms are not available or were not evaluated, and the functional significance of this variant is currently unknown. This variant has not been reported in the literature in individuals affected with DST-related conditions. This variant is not present in population databases (gnomAD no frequency). This sequence change replaces aspartic acid, which is acidic and polar, with glycine, which is neutral and non-polar, at codon 2715 of the DST protein (p.Asp2715Gly). The DST gene has multiple clinically relevant transcripts. This variant occurs in alternate transcript NM_015548.4, and corresponds to NM_001723.5:c.*62738A>G in the primary transcript.

NM_001374736.1(DST):c.16013A>G (p.Asp5338Gly)

Gene: DST (dystonin; minus strand). Cytogenetic location: 6p12.1.
Variant type: single nucleotide variant.
Coding change: c.16013A>G on transcript NM_001374736.1 (MANE Select); coding-DNA position 16013, A replaced by G.
Protein change: p.Asp5338Gly; replaces aspartic acid 5338 with glycine.
Molecular consequence: missense variant.
Genome position (GRCh38, 1-based): chr6:56,552,779, T>C on the plus strand (A>G on the coding strand, the complement: DST is on the minus strand). VCF-style: chr6-56552779-T-C. GRCh37 (hg19) VCF-style: chr6-56417577-T-C.
Other names: c.9122A>G, p.Asp3041Gly (NM_183380.4, NM_001386100.1, NM_001374730.1); c.9656A>G, p.Asp3219Gly (NM_001144769.5); c.9242A>G, p.Asp3081Gly (NM_001144770.2); c.16013A>G, p.Asp5338Gly (NM_001374722.1); c.8144A>G, p.Asp2715Gly (NM_015548.5); c.15380A>G, p.Asp5127Gly (NM_001374729.1); c.16040A>G, p.Asp5347Gly (NM_001374734.1); short protein forms D3081G, D3219G, D5347G, D2715G, D3041G, D5127G, D5338G.
Identifiers: ClinVar variation 2104012 (VCV002104012.2), dbSNP rs2152555495, ClinGen allele CA364514556.